The following is an entry in ClinVar:

ClinVar aggregate classification (germline): Likely benign. Review status: criteria provided, multiple submitters, no conflicts (2 of 4 stars). 4 submissions from 4 submitters: Likely benign (3). 1 of the submissions does not count toward it. Last evaluated 2026-01-15.

Conditions:
Lymphangiomyomatosis (LAM). Also called: Lymphangioleiomyomatosis; Lymphangioleiomyomatosis, somatic. Identifiers: Orphanet 538, MedGen C0751674, MONDO:0011705, OMIM 606690.
Tuberous sclerosis syndrome (TSC). Also called: Tuberous Sclerosis Complex; Tuberous sclerosis. Identifiers: Orphanet 805, MedGen C0041341, MONDO:0001734.
Tuberous sclerosis 2 (TSC2). Identifiers: Orphanet 805, MedGen C1860707, MONDO:0013199, OMIM 613254.

Allele frequency attached by ClinVar (database versions not stated): gnomAD exomes 0.00001 and 0.00003; gnomAD 0.00003 and 0.00004; ExAC 0.00005; TOPMed 0.00006; ESP Exome Variant Server 0.00008.
gnomAD v4.1: 21 of 1,608,616 alleles (0.0013%); highest among the groups gnomAD compares: Admixed American, 0.0083%; no homozygotes.

Submissions (4):

Labcorp Genetics (formerly Invitae), Labcorp
Classification: Likely benign for Tuberous sclerosis 2. Last evaluated: 2026-01-15. Review status: criteria provided, single submitter. Criteria: Invitae Variant Classification Sherloc (09022015). Collection method: clinical testing. Allele origin: germline.

Blueprint Genetics
Classification: Likely benign. Last evaluated: 2024-08-29. Review status: criteria provided, single submitter. Criteria: ACMG Guidelines, 2015. Collection method: clinical testing. Allele origin: germline.

GeneDx
Classification: Likely benign. Last evaluated: 2017-07-26. Review status: criteria provided, single submitter. Criteria: GeneDx Variant Classification (06012015). Collection method: clinical testing. Allele origin: germline. Affected: yes.
Comment: This variant is considered likely benign or benign based on one or more of the following criteria: it is a conservative change, it occurs at a poorly conserved position in the protein, it is predicted to be benign by multiple in silico algorithms, and/or has population frequency not consistent with disease.

Tuberous sclerosis database (TSC2)
No classification provided. Condition: TSC; LAM. Review status: no classification provided. Criteria: Tuberous Sclerosis Database Assertion Criteria 2015. Collection method: curation. Allele origin: germline. Affected: yes. Not counted in ClinVar's aggregate classification.

NM_000548.5(TSC2):c.1716+16G>A

Gene: TSC2 (TSC complex subunit 2; plus strand). Cytogenetic location: 16p13.3.
Variant type: single nucleotide variant.
Coding change: c.1716+16G>A on transcript NM_000548.5 (MANE Select); 16 bases into the intron after coding-DNA position 1716, G replaced by A.
Molecular consequence: intron variant.
Genome position (GRCh38, 1-based): chr16:2,065,651, G>A. VCF-style: chr16-2065651-G-A. GRCh37 (hg19) VCF-style: chr16-2115652-G-A.
Other names: c.1716+16G>A (NM_001114382.3, NM_021055.3, NM_001370405.1 and 3 more transcripts); c.1605+16G>A (NM_001318827.2); c.1116+16G>A (NM_001318831.2); c.1569+16G>A (NM_001318829.2); c.1749+16G>A (NM_001318832.2).
Identifiers: ClinVar variation 50146 (VCV000050146.8), dbSNP rs45517189, ClinGen allele CA015479.